The following is an entry in ClinVar:

NM_144997.7(FLCN):c.616A>T (p.Lys206Ter)

Gene: FLCN (folliculin; minus strand). Cytogenetic location: 17p11.2.
Variant type: single nucleotide variant.
Coding change: c.616A>T on transcript NM_144997.7 (MANE Select); coding-DNA position 616, A replaced by T.
Protein change: p.Lys206Ter; replaces lysine 206 with a stop codon.
Molecular consequence: nonsense.
Genome position (GRCh38, 1-based): chr17:17,223,924, T>A on the plus strand (A>T on the coding strand, the complement: FLCN is on the minus strand). VCF-style: chr17-17223924-T-A. GRCh37 (hg19) VCF-style: chr17-17127238-T-A.
Other names: c.616A>T, p.Lys206Ter (NM_001353231.2, NM_144606.7, NM_001353230.2); c.670A>T, p.Lys224Ter (NM_001353229.2); short protein forms K206*, K224*.
Identifiers: ClinVar variation 4843157 (VCV004843157.1).

ClinVar aggregate classification (germline): Pathogenic (1 of 4 stars; one submission).

Conditions:
Hereditary cancer-predisposing syndrome. Also called: Neoplastic Syndromes, Hereditary; Tumor predisposition; Hereditary Cancer Syndrome; Hereditary neoplastic syndrome. Identifiers: Orphanet 140162, MedGen C0027672, MeSH D009386, MONDO:0015356.

Submission:

Ambry Genetics
Classification: Pathogenic for Hereditary cancer-predisposing syndrome. Last evaluated: 2026-01-07. Review status: criteria provided, single submitter. Criteria: Ambry Variant Classification Scheme 2023. Collection method: clinical testing. Allele origin: germline.
Comment: The p.K206* pathogenic mutation (also known as c.616A>T), located in coding exon 3 of the FLCN gene, results from an A to T substitution at nucleotide position 616. This changes the amino acid from a lysine to a stop codon within coding exon 3. This variant is considered to be rare based on population cohorts in the Genome Aggregation Database (gnomAD). This alteration is expected to result in loss of function by premature protein truncation or nonsense-mediated mRNA decay. As such, this alteration is interpreted as a disease-causing mutation.